The following is an entry in ClinVar:

NM_001379286.1(ZNF423):c.3208A>G (p.Lys1070Glu)

Gene: ZNF423 (zinc finger protein 423; minus strand). Cytogenetic location: 16q12.1.
Variant type: single nucleotide variant.
Coding change: c.3208A>G on transcript NM_001379286.1 (MANE Select); coding-DNA position 3208, A replaced by G.
Protein change: p.Lys1070Glu; replaces lysine 1070 with glutamic acid.
Molecular consequence: missense variant.
Genome position (GRCh38, 1-based): chr16:49,635,968, T>C on the plus strand (A>G on the coding strand, the complement: ZNF423 is on the minus strand). VCF-style: chr16-49635968-T-C. GRCh37 (hg19) VCF-style: chr16-49669879-T-C.
Other names: c.3004A>G, p.Lys1002Glu (NM_001271620.2); c.2833A>G, p.Lys945Glu (NM_001330533.2); c.3184A>G, p.Lys1062Glu (NM_015069.5); short protein forms K1002E, K1062E, K1070E, K945E.
Identifiers: ClinVar variation 1010074 (VCV001010074.6), dbSNP rs1555514762, ClinGen allele CA395840006.

ClinVar aggregate classification (germline): Uncertain significance (1 of 4 stars; one submission).

Conditions:
Nephronophthisis 14 (NPHP14). Identifiers: Orphanet 2318, MedGen C3539071, MONDO:0013916, OMIM 614844.

Allele frequency attached by ClinVar (database versions not stated): gnomAD 0.00001.

Submission:

Labcorp Genetics (formerly Invitae), Labcorp
Classification: Uncertain significance for Nephronophthisis 14. Last evaluated: 2022-03-03. Review status: criteria provided, single submitter. Criteria: Invitae Variant Classification Sherloc (09022015). Collection method: clinical testing. Allele origin: germline.
Comment: This sequence change replaces lysine, which is basic and polar, with glutamic acid, which is acidic and polar, at codon 1062 of the ZNF423 protein (p.Lys1062Glu). This variant is not present in population databases (gnomAD no frequency). This variant has not been reported in the literature in individuals affected with ZNF423-related conditions. ClinVar contains an entry for this variant (Variation ID: 1010074). Algorithms developed to predict the effect of missense changes on protein structure and function are either unavailable or do not agree on the potential impact of this missense change (SIFT: "Deleterious"; PolyPhen-2: "Benign"; Align-GVGD: "Class C0"). In summary, the available evidence is currently insufficient to determine the role of this variant in disease. Therefore, it has been classified as a Variant of Uncertain Significance.